The following is an entry in ClinVar:

ClinVar aggregate classification (germline): Likely pathogenic. Review status: criteria provided, single submitter (1 of 4 stars). 2 submissions from 1 submitter: Likely pathogenic (2). Last evaluated 2016-01-01.

Conditions:
Edema of the dorsum of feet. Identifiers: MedGen C2919341, HP:0012098.
Sparse hair. Identifiers: MedGen C5551005, HP:0008070.
Narrow nasal bridge. Identifiers: MedGen C4551564, HP:0000446.
Cleft upper lip. Identifiers: Orphanet 199302, MedGen C0008924, MONDO:0016043, HP:0000204.
4-5 finger cutaneous syndactyly. Also called: 4-5 finger syndactyly. Identifiers: MedGen C4023731, HP:0010705.
Finger syndactyly. Identifiers: MedGen C0221352, HP:0006101.
Underdeveloped nasal alae. Identifiers: MedGen C1834055, HP:0000430.
Atrioventricular septal defect and common atrioventricular junction. Also called: Atrioventricular septal defect 3. Identifiers: MedGen C0344783.

Submissions (2):

Centre for Mendelian Genomics, University Medical Centre Ljubljana
Classification: Likely pathogenic for Atrioventricular septal defect. Last evaluated: 2016-01-01. Review status: criteria provided, single submitter. Criteria: ACMG Guidelines, 2015. Collection method: clinical testing. Allele origin: unknown. Affected: yes.
Comment: This variant was classified as: Likely pathogenic.

Centre for Mendelian Genomics, University Medical Centre Ljubljana
Classification: Likely pathogenic for 4-5 finger cutaneous syndactyly; Cleft upper lip; Edema of the dorsum of feet; Finger syndactyly; Narrow nasal bridge; Sparse hair; Underdeveloped nasal alae. Last evaluated: 2014-03-24. Review status: criteria provided, single submitter. Criteria: ACMG Guidelines, 2015. Collection method: clinical testing. Allele origin: unknown. Affected: yes.

NM_000165.5(GJA1):c.486G>C (p.Lys162Asn)

Gene: GJA1 (gap junction protein alpha 1; plus strand). Cytogenetic location: 6q22.31.
Variant type: single nucleotide variant.
Coding change: c.486G>C on transcript NM_000165.5 (MANE Select); coding-DNA position 486, G replaced by C.
Protein change: p.Lys162Asn; replaces lysine 162 with asparagine.
Molecular consequence: missense variant.
Genome position (GRCh38, 1-based): chr6:121,447,333, G>C. VCF-style: chr6-121447333-G-C. GRCh37 (hg19) VCF-style: chr6-121768479-G-C.
Other names: short protein forms K162N.
Identifiers: ClinVar variation 374189 (VCV000374189.4), dbSNP rs1057518960, ClinGen allele CA16043411.